The following is an entry in ClinVar:

NM_001684.5(ATP2B4):c.193+1G>C

Gene: ATP2B4 (ATPase plasma membrane Ca2+ transporting 4; plus strand). Cytogenetic location: 1q32.1.
Variant type: single nucleotide variant.
Coding change: c.193+1G>C on transcript NM_001684.5 (MANE Select); the canonical splice donor site of the intron after coding-DNA position 193, G replaced by C.
Molecular consequence: splice donor variant.
Genome position (GRCh38, 1-based): chr1:203,683,399, G>C. VCF-style: chr1-203683399-G-C. GRCh37 (hg19) VCF-style: chr1-203652527-G-C.
Other names: c.193+1G>C (NM_001001396.3, NM_001365783.2, NM_001365784.2).
Identifiers: ClinVar variation 3678176 (VCV003678176.2).

ClinVar aggregate classification (germline): Uncertain significance (1 of 4 stars; one submission).

Submission:

Labcorp Genetics (formerly Invitae), Labcorp
Classification: Uncertain significance. Last evaluated: 2024-05-06. Review status: criteria provided, single submitter. Criteria: Invitae Variant Classification Sherloc (09022015). Collection method: clinical testing. Allele origin: germline.
Comment: This sequence change affects a donor splice site in intron 2 of the ATP2B4 gene. It is expected to disrupt RNA splicing. Variants that disrupt the donor or acceptor splice site typically lead to a loss of protein function (PMID: 16199547), however the current clinical and genetic evidence is not sufficient to establish whether loss-of-function variants in ATP2B4 cause disease. This variant is present in population databases (rs751719143, gnomAD 0.0009%). This variant has not been reported in the literature in individuals affected with ATP2B4-related conditions. Algorithms developed to predict the effect of sequence changes on RNA splicing suggest that this variant may disrupt the consensus splice site. In summary, the available evidence is currently insufficient to determine the role of this variant in disease. Therefore, it has been classified as a Variant of Uncertain Significance.

Literature cited by the submitters: PubMed 16199547.